The following is an entry in ClinVar:

ClinVar aggregate classification (germline): Pathogenic (1 of 4 stars; one submission).

Conditions:
Developmental and epileptic encephalopathy, 25 (DEE25). Also called: Epileptic encephalopathy, early infantile, 25; Developmental and epileptic encephalopathy 25, with amelogenesis imperfecta; Epileptic encephalopathy, early infantile, 25, with amelogenesis imperfecta. Identifiers: Orphanet 442835, MedGen C4014621, MONDO:0014392, OMIM 615905.

Submission:

Labcorp Genetics (formerly Invitae), Labcorp
Classification: Pathogenic for Developmental and epileptic encephalopathy, 25. Last evaluated: 2023-04-09. Review status: criteria provided, single submitter. Criteria: Invitae Variant Classification Sherloc (09022015). Collection method: clinical testing. Allele origin: germline.
Comment: For these reasons, this variant has been classified as Pathogenic. This variant has not been reported in the literature in individuals affected with SLC13A5-related conditions. This variant is not present in population databases (gnomAD no frequency). This sequence change creates a premature translational stop signal (p.Ala216Profs*9) in the SLC13A5 gene. It is expected to result in an absent or disrupted protein product. Loss-of-function variants in SLC13A5 are known to be pathogenic (PMID: 24995870, 26384929).

Literature cited by the submitters: PubMed 24995870; PubMed 26384929.

NM_177550.5(SLC13A5):c.646del (p.Ala216fs)

Gene: SLC13A5 (solute carrier family 13 member 5; minus strand). Cytogenetic location: 17p13.1.
Variant type: Deletion.
Coding change: c.646del on transcript NM_177550.5 (MANE Select); coding-DNA position 646, one base deleted (G; older notation c.646delG).
Protein change: p.Ala216fs; shifts the reading frame from alanine 216.
Molecular consequence: frameshift variant.
Genome position (GRCh38, 1-based): chr17:6,703,040, C deleted on the plus strand (G on the coding strand, the reverse complement: SLC13A5 is on the minus strand); the first of 2 consecutive C bases (chr17:6,703,040-6,703,041); deleting either gives the same sequence. VCF-style (leftmost placement, unchanged base first): chr17-6703039-GC-G. GRCh37 (hg19) VCF-style: chr17-6606358-GC-G.
Other names: c.646del, p.Ala216fs (NM_001143838.3); c.595del, p.Ala199fs (NM_001284509.2); c.517del, p.Ala173fs (NM_001284510.2); short protein forms A173fs, A216fs, A199fs.
Identifiers: ClinVar variation 2802014 (VCV002802014.3), dbSNP rs2544638357, ClinGen allele CA2739267090.
Genomic context (GRCh38, chr17:6,703,039, plus strand): 5'-TGGCCCAGGAGCACCACGTTGGGTCCCGTCCCGGTCAGGGTGGCGGTGCCCCCGATGCTG[GC>G]CGCGTAGCAGATGCACAGGGTCATGGCCTTACACAACCTCTTCCGCTCTTGGTCTTCCTG-3'